The following is an entry in ClinVar:

ClinVar aggregate classification (germline): Pathogenic. Review status: criteria provided, multiple submitters, no conflicts (2 of 4 stars). 3 submissions from 3 submitters: Pathogenic (2). 1 of the submissions does not count toward it. Last evaluated 2026-01-29.

Conditions:
3-Oxo-5 alpha-steroid delta 4-dehydrogenase deficiency (PPSH). Also called: FAMILIAL INCOMPLETE MALE PSEUDOHERMAPHRODITISM, TYPE 2; MALE PSEUDOHERMAPHRODITISM DUE TO 5-ALPHA-REDUCTASE DEFICIENCY; PSEUDOVAGINAL PERINEOSCROTAL HYPOSPADIAS; 46,XY disorder of sex development due to 5-alpha-reductase 2 deficiency. Identifiers: Orphanet 753, MedGen C0268297, MONDO:0009923, OMIM 264600. Disease mechanism: loss of function.

Allele frequency attached by ClinVar (database versions not stated): TOPMed 0.00001; gnomAD exomes 0.00002; ExAC 0.00002; gnomAD 0.00001.
gnomAD v4.1: 5 of 1,608,750 alleles (0.00031%); highest among the groups gnomAD compares: Admixed American, 0.0067%; no homozygotes.

Submissions (3):

3billion
Classification: Pathogenic for 3-Oxo-5 alpha-steroid delta 4-dehydrogenase deficiency. Last evaluated: 2026-01-29. Review status: criteria provided, single submitter. Criteria: ACMG Guidelines, 2015. Collection method: clinical testing. Allele origin: germline. Affected: yes.
Comment: The variant is observed at an extremely low frequency in the gnomAD v4.1.0 dataset (total allele frequency: <0.001%). Predicted Consequence/Location: Missense variant In silico tool prediction suggests damaging effect of the variant on gene or gene product [3Cnet: 0.99 (> 0.75, sensitivity 0.96 and precision 0.92)]. The same nucleotide change resulting in the same amino acid change has been previously reported as pathogenic/likely pathogenic with strong evidence (ClinVar ID: VCV000492896 /PMID: 18350250). The variant has been reported to be in trans (confirmed or potential) with an additional pathogenic variant or VUS in at least one similarly affected unrelated individual (PMID: 18350250, 21147889 /3billion dataset). A different missense change at the same codon (p.Glu57Gly) has been reported to be associated with SRD5A2-related disorder (PMID: 35488637). Therefore, this variant is classified as Pathogenic according to the recommendation of ACMG/AMP guideline.

Labcorp Genetics (formerly Invitae), Labcorp
Classification: Pathogenic for 3-Oxo-5 alpha-steroid delta 4-dehydrogenase deficiency. Last evaluated: 2020-11-25. Review status: criteria provided, single submitter. Criteria: Invitae Variant Classification Sherloc (09022015). Collection method: clinical testing. Allele origin: germline.
Comment: For these reasons, this variant has been classified as Pathogenic. Experimental studies have shown that this variant affects SRD5A2 protein function (PMID: 18350250). This variant has been observed in individual(s) with steroid-5 alpha-reductase deficiency (PMID: 21147889, 18350250). ClinVar contains an entry for this variant (Variation ID: 492896). This variant is present in population databases (rs750444774, ExAC 0.01%). This sequence change replaces glutamic acid with glutamine at codon 57 of the SRD5A2 protein (p.Glu57Gln). The glutamic acid residue is highly conserved and there is a small physicochemical difference between glutamic acid and glutamine.

Clinical Molecular Genetics Laboratory, Johns Hopkins All Children's Hospital
Classification: Pathogenic for 3-Oxo-5 alpha-steroid delta 4-dehydrogenase deficiency. Last evaluated: 2013-09-23. Review status: no assertion criteria provided. Collection method: clinical testing. Allele origin: germline. Affected: yes. Not counted in ClinVar's aggregate classification.

Literature cited by the submitters: PubMed 18350250 (cited by 3billion and Labcorp Genetics (formerly Invitae), Labcorp); PubMed 21147889 (cited by 3billion and Labcorp Genetics (formerly Invitae), Labcorp); PubMed 35488637 (cited by 3billion).

NM_000348.4(SRD5A2):c.169G>C (p.Glu57Gln)

Gene: SRD5A2 (steroid 5 alpha-reductase 2; minus strand). Cytogenetic location: 2p23.1.
Variant type: single nucleotide variant.
Coding change: c.169G>C on transcript NM_000348.4 (MANE Select); coding-DNA position 169, G replaced by C.
Protein change: p.Glu57Gln; replaces glutamic acid 57 with glutamine.
Molecular consequence: missense variant.
Genome position (GRCh38, 1-based): chr2:31,580,732, C>G on the plus strand (G>C on the coding strand, the complement: SRD5A2 is on the minus strand). VCF-style: chr2-31580732-C-G. GRCh37 (hg19) VCF-style: chr2-31805802-C-G.
Other names: short protein forms E57Q.
Identifiers: ClinVar variation 492896 (VCV000492896.8), dbSNP rs750444774, ClinGen allele CA1600017.
Genomic context (GRCh38, chr2:31,580,732, plus strand): 5'-CGAAGAGGGAGAGGGGCTGCCGGGCGAGGATCCCCGCGGGCACCGCGAAGGAAGGCAGCT[C>G]CTGCAGGAACCAGGCGGCGCGGGCTGGCAGGCGGGTAGCCGCCGGCTTCAGGCTCTCCGT-3'
Protein context (NP_000339.2, residues 47-67): LPARAAWFLQ[Glu57Gln]LPSFAVPAGI